The following is an entry in ClinVar:

ClinVar aggregate classification (germline): Uncertain significance. Review status: criteria provided, multiple submitters, no conflicts (2 of 4 stars). 2 submissions from 2 submitters: Uncertain significance (2). Last evaluated 2025-06-27.

gnomAD v4.1: 3 of 1,614,050 alleles (0.00019%); highest among the groups gnomAD compares: Admixed American, 0.005%; no homozygotes.

Submissions (2):

Labcorp Genetics (formerly Invitae), Labcorp
Classification: Uncertain significance. Last evaluated: 2025-06-27. Review status: criteria provided, single submitter. Criteria: Invitae Variant Classification Sherloc (09022015). Collection method: clinical testing. Allele origin: germline.
Comment: This sequence change replaces leucine, which is neutral and non-polar, with arginine, which is basic and polar, at codon 308 of the MYCN protein (p.Leu308Arg). This variant is not present in population databases (gnomAD no frequency). This variant has not been reported in the literature in individuals affected with MYCN-related conditions. Invitae Evidence Modeling of protein sequence and biophysical properties (such as structural, functional, and spatial information, amino acid conservation, physicochemical variation, residue mobility, and thermodynamic stability) indicates that this missense variant is not expected to disrupt MYCN protein function with a negative predictive value of 95%. In summary, the available evidence is currently insufficient to determine the role of this variant in disease. Therefore, it has been classified as a Variant of Uncertain Significance.

Blueprint Genetics
Classification: Uncertain significance. Last evaluated: 2022-03-17. Review status: criteria provided, single submitter. Criteria: ACMG Guidelines, 2015. Collection method: clinical testing. Allele origin: germline.

NM_005378.6(MYCN):c.923T>G (p.Leu308Arg)

Gene: MYCN (MYCN proto-oncogene, bHLH transcription factor; plus strand). Cytogenetic location: 2p24.3.
Variant type: single nucleotide variant.
Coding change: c.923T>G on transcript NM_005378.6 (MANE Select); coding-DNA position 923, T replaced by G.
Protein change: p.Leu308Arg; replaces leucine 308 with arginine.
Molecular consequence: missense variant. On other transcripts: 3 prime UTR variant (1).
Genome position (GRCh38, 1-based): chr2:15,945,625, T>G. VCF-style: chr2-15945625-T-G. GRCh37 (hg19) VCF-style: chr2-16085747-T-G.
Other names: c.923T>G, p.Leu308Arg (NM_001293228.2); c.290T>G, p.Leu97Arg (NM_001293231.2); c.*858T>G (NM_001293233.2); short protein forms L308R, L97R.
Identifiers: ClinVar variation 4749121 (VCV004749121.2).